The following is an entry in ClinVar:

ClinVar aggregate classification (germline): Pathogenic (1 of 4 stars; one submission).

Conditions:
Hereditary breast ovarian cancer syndrome. Also called: Hereditary breast and ovarian cancer syndrome; Hereditary breast and/or ovarian cancer syndrome; Hereditary breast and ovarian cancer; Breast and ovarian cancer; Hereditary breast and ovarian cancer syndrome (HBOC); BRCA1- and BRCA2-Associated Hereditary Breast and Ovarian Cancer. Identifiers: Orphanet 145, MedGen C0677776, MeSH D061325, MONDO:0003582. Disease mechanism: loss of function.

Submission:

Labcorp Genetics (formerly Invitae), Labcorp
Classification: Pathogenic for Hereditary breast ovarian cancer syndrome. Last evaluated: 2025-12-24. Review status: criteria provided, single submitter. Criteria: Invitae Variant Classification Sherloc (09022015). Collection method: clinical testing. Allele origin: germline.
Comment: This sequence change creates a premature translational stop signal (p.Asp2242Ilefs*38) in the BRCA2 gene. It is expected to result in an absent or disrupted protein product. Loss-of-function variants in BRCA2 are known to be pathogenic (PMID: 20104584). This variant is not present in population databases (gnomAD no frequency). This variant has not been reported in the literature in individuals affected with BRCA2-related conditions. ClinVar contains an entry for this variant (Variation ID: 3659601). For these reasons, this variant has been classified as Pathogenic.

Literature cited by the submitters: PubMed 20104584.

NM_000059.4(BRCA2):c.6724del (p.Asp2242fs)

Gene: BRCA2 (BRCA2 DNA repair associated; plus strand). Cytogenetic location: 13q13.1.
Variant type: Deletion.
Coding change: c.6724del on transcript NM_000059.4 (MANE Select); coding-DNA position 6724, one base deleted (G; older notation c.6724delG).
Protein change: p.Asp2242fs; shifts the reading frame from aspartic acid 2242.
Molecular consequence: frameshift variant. On other transcripts: non-coding transcript variant (1), intron variant (2).
Genome position (GRCh38, 1-based): chr13:32,341,079, G deleted. VCF-style (leftmost placement, unchanged base first): chr13-32341078-AG-A. GRCh37 (hg19) VCF-style: chr13-32915215-AG-A.
Other names: c.6724del, p.Asp2242fs (NM_001406719.1, NM_001406720.1, NM_001432077.1); c.1910-3479del (NM_001406721.1); c.425-3479del (NM_001406722.1); short protein forms D2242fs.
Identifiers: ClinVar variation 3659601 (VCV003659601.2).